The following is an entry in ClinVar:

ClinVar aggregate classification (germline): Uncertain significance. Review status: criteria provided, multiple submitters, no conflicts (2 of 4 stars). 3 submissions from 3 submitters: Uncertain significance (3). Last evaluated 2025-01-30.

Conditions:
Inborn genetic diseases. Identifiers: MedGen C0950123, MeSH D030342.
Pulmonary fibrosis and/or bone marrow failure, Telomere-related, 3. Also called: PULMONARY FIBROSIS AND/OR BONE MARROW FAILURE SYNDROME, TELOMERE-RELATED, 3. Identifiers: Orphanet 2032, MedGen C4225346, MONDO:0014613, OMIM 616373.
Dyskeratosis congenita, autosomal recessive 5 (DKCB5). Identifiers: MedGen C3554656, MONDO:0014076, OMIM 615190.

Allele frequency attached by ClinVar (database versions not stated): gnomAD exomes 0.00002; TOPMed 0.00002; ExAC 0.00003; gnomAD 0.00005.
gnomAD v4.1: 33 of 1,605,212 alleles (0.0021%); highest among the groups gnomAD compares: South Asian, 0.011%; 1 homozygote.

Submissions (3):

Ambry Genetics
Classification: Uncertain significance for Inborn genetic diseases. Last evaluated: 2025-01-30. Review status: criteria provided, single submitter. Criteria: Ambry Variant Classification Scheme 2023. Collection method: clinical testing. Allele origin: germline.
Comment: The p.P759L variant (also known as c.2276C>T), located in coding exon 25 of the RTEL1 gene, results from a C to T substitution at nucleotide position 2276. The proline at codon 759 is replaced by leucine, an amino acid with similar properties. This amino acid position is conserved. In addition, this alteration is predicted to be tolerated by in silico analysis. Based on the available evidence, the clinical significance of this variant remains unclear.

Labcorp Genetics (formerly Invitae), Labcorp
Classification: Uncertain significance for Dyskeratosis congenita, autosomal recessive 5; Pulmonary fibrosis and/or bone marrow failure, Telomere-related, 3. Last evaluated: 2024-03-20. Review status: criteria provided, single submitter. Criteria: Invitae Variant Classification Sherloc (09022015). Collection method: clinical testing. Allele origin: germline.
Comment: This sequence change replaces proline, which is neutral and non-polar, with leucine, which is neutral and non-polar, at codon 759 of the RTEL1 protein (p.Pro759Leu). This variant is present in population databases (rs760299071, gnomAD 0.02%). This variant has not been reported in the literature in individuals affected with RTEL1-related conditions. ClinVar contains an entry for this variant (Variation ID: 2151171). Algorithms developed to predict the effect of missense changes on protein structure and function output the following: SIFT: "Not Available"; PolyPhen-2: "Benign"; Align-GVGD: "Not Available". The leucine amino acid residue is found in multiple mammalian species, which suggests that this missense change does not adversely affect protein function. In summary, the available evidence is currently insufficient to determine the role of this variant in disease. Therefore, it has been classified as a Variant of Uncertain Significance.

Blueprint Genetics
Classification: Uncertain significance. Last evaluated: 2022-05-10. Review status: criteria provided, single submitter. Criteria: ACMG Guidelines, 2015. Collection method: clinical testing. Allele origin: germline.

NM_001283009.2(RTEL1):c.2276C>T (p.Pro759Leu)

Genes: RTEL1 (regulator of telomere elongation helicase 1; plus strand), RTEL1-TNFRSF6B (RTEL1-TNFRSF6B readthrough (NMD candidate); plus strand). Cytogenetic location: 20q13.33.
Variant type: single nucleotide variant.
Coding change: c.2276C>T on transcript NM_001283009.2 (MANE Select); coding-DNA position 2276, C replaced by T.
Protein change: p.Pro759Leu; replaces proline 759 with leucine.
Molecular consequence: missense variant. On other transcripts: non-coding transcript variant (1).
Genome position (GRCh38, 1-based): chr20:63,690,304, C>T. VCF-style: chr20-63690304-C-T. GRCh37 (hg19) VCF-style: chr20-62321657-C-T.
Other names: c.1607C>T, p.Pro536Leu (NM_001283010.1); c.2276C>T, p.Pro759Leu (NM_016434.4); c.2348C>T, p.Pro783Leu (NM_032957.5); short protein forms P783L, P536L, P759L.
Identifiers: ClinVar variation 2151171 (VCV002151171.4), dbSNP rs760299071, ClinGen allele CA9965267.